The following continues an entry in ClinVar:

NM_032409.3(PINK1):c.1015G>A (p.Ala339Thr)

ClinVar aggregate classification (germline): Uncertain significance. Uncertain significance (11).

Submissions 10 to 12 of 12:

Illumina Laboratory Services, Illumina
Classification: Uncertain significance for Autosomal recessive early-onset Parkinson disease 6. Last evaluated: 2017-04-28. Review status: criteria provided, single submitter. Criteria: ICSL Variant Classification Criteria 13 December 2019. Collection method: clinical testing. Allele origin: germline.
Comment: This variant was observed as part of a predisposition screen in an ostensibly healthy population. A literature search was performed for the gene, cDNA change, and amino acid change (where applicable). Publications were found based on this search. However, the evidence from the literature, in combination with allele frequency data from public databases where available, was not sufficient to rule this variant in or out of causing disease. Therefore, this variant is classified as a variant of unknown significance.

Eurofins Ntd Llc (ga)
Classification: Uncertain significance. Last evaluated: 2017-03-01. Review status: criteria provided, single submitter. Criteria: EGL Classification Definitions 2015. Collection method: clinical testing. Allele origin: germline. Observed: 1 variant allele, 1 heterozygote.

PreventionGenetics, part of Exact Sciences
Classification: Uncertain significance for PINK1-related condition. Last evaluated: 2024-04-25. Review status: no assertion criteria provided. Collection method: clinical testing. Allele origin: germline. Not counted in ClinVar's aggregate classification.
Comment: The PINK1 c.1015G>A variant is predicted to result in the amino acid substitution p.Ala339Thr. This variant has been reported in multiple individuals with Parkinson disease (see for example, Table 3, Rogaeva et al. 2004. PubMed ID: 15596610; Table 4, Brooks et al. 2009. PubMed ID: 19351622; Table 1, Petersen et al. 2014. PubMed ID: 25466404). This variant is reported in 0.088% of alleles in individuals of European (non-Finnish) descent in gnomAD. An in vitro experimental study suggests this variant may increase the rate of cell death (Figure 4, Tan et al. 2009. PubMed ID: 19847793). At this time, the clinical significance of this variant is uncertain due to the absence of conclusive functional and genetic evidence.

Literature cited by the submitters: PubMed 28849312 (cited by 5 submitters); PubMed 35954270 (cited by 3 submitters); PubMed 16969854 (cited by 5 submitters); PubMed 19351622 (cited by 4 submitters); PubMed 38173558 (cited by Women's Health and Genetics/Laboratory Corporation of America, LabCorp and Mayo Clinic Laboratories, Mayo Clinic); PubMed 15596610 (cited by 6 submitters); PubMed 37750340 (cited by Women's Health and Genetics/Laboratory Corporation of America, LabCorp); PubMed 16702191 (cited by 6 submitters); PubMed 38529492 (cited by Women's Health and Genetics/Laboratory Corporation of America, LabCorp); PubMed 18330912 (cited by 6 submitters); PubMed 25466404 (cited by 6 submitters); PubMed 18403612 (cited by 3 submitters); PubMed 19847793 (cited by 6 submitters); PubMed 24374372 (cited by 6 submitters); PubMed 16547921 (cited by 3 submitters); PubMed 22451330 (cited by Mayo Clinic Laboratories, Mayo Clinic and Illumina Laboratory Services, Illumina); PubMed 22644621 (cited by Mayo Clinic Laboratories, Mayo Clinic and Illumina Laboratory Services, Illumina); PubMed 32613234 (cited by Mayo Clinic Laboratories, Mayo Clinic and Athena Diagnostics); PubMed 33098801 (cited by Mayo Clinic Laboratories, Mayo Clinic and Athena Diagnostics); PubMed 34893635 (cited by Mayo Clinic Laboratories, Mayo Clinic and Athena Diagnostics); PubMed 35872528 (cited by Mayo Clinic Laboratories, Mayo Clinic and Athena Diagnostics); PubMed 36409355 (cited by Mayo Clinic Laboratories, Mayo Clinic and Athena Diagnostics); PubMed 34426522 (cited by Athena Diagnostics); PubMed 20981092 (cited by Athena Diagnostics); PubMed 17344846 (cited by Athena Diagnostics).